The following is an entry in ClinVar:

ClinVar aggregate classification (germline): Uncertain significance (1 of 4 stars; one submission).

Submission:

Ambry Genetics
Classification: Uncertain significance. Last evaluated: 2022-10-27. Review status: criteria provided, single submitter. Criteria: Ambry Variant Classification Scheme 2023. Collection method: clinical testing. Allele origin: germline.
Comment: The p.L57S variant (also known as c.170T>C), located in coding exon 2 of the PRKDC gene, results from a T to C substitution at nucleotide position 170. The leucine at codon 57 is replaced by serine, an amino acid with dissimilar properties. This amino acid position is conserved. In addition, the in silico prediction for this alteration is inconclusive. Since supporting evidence is limited at this time, the clinical significance of this alteration remains unclear.

NM_006904.7(PRKDC):c.170T>C (p.Leu57Ser)

Gene: PRKDC (protein kinase, DNA-activated, catalytic subunit; minus strand). Cytogenetic location: 8q11.21.
Variant type: single nucleotide variant.
Coding change: c.170T>C on transcript NM_006904.7 (MANE Select); coding-DNA position 170, T replaced by C.
Protein change: p.Leu57Ser; replaces leucine 57 with serine.
Molecular consequence: missense variant.
Genome position (GRCh38, 1-based): chr8:47,957,416, A>G on the plus strand (T>C on the coding strand, the complement: PRKDC is on the minus strand). VCF-style: chr8-47957416-A-G. GRCh37 (hg19) VCF-style: chr8-48869976-A-G.
Other names: c.170T>C, p.Leu57Ser (NM_001081640.2); short protein forms L57S.
Identifiers: ClinVar variation 1778537 (VCV001778537.2), dbSNP rs1406035047, ClinGen allele CA371141735.